The following is an entry in ClinVar:

NM_032737.4(LMNB2):c.684+3G>A

Gene: LMNB2 (lamin B2; minus strand). Cytogenetic location: 19p13.3.
Variant type: single nucleotide variant.
Coding change: c.684+3G>A on transcript NM_032737.4 (MANE Select); 3 bases into the intron after coding-DNA position 684, G replaced by A.
Molecular consequence: intron variant.
Genome position (GRCh38, 1-based): chr19:2,438,160, C>T on the plus strand (G>A on the coding strand, the complement: LMNB2 is on the minus strand). VCF-style: chr19-2438160-C-T. GRCh37 (hg19) VCF-style: chr19-2438158-C-T.
Identifiers: ClinVar variation 1518225 (VCV001518225.6), dbSNP rs2145454055, ClinGen allele CA2573155746.
Genomic context (GRCh38, chr19:2,438,160, plus strand): 5'-CAGCCATGAGGGTGGACTTTGCGTTTCCGCTGTGCCAGGCTGGAGGCCAGGCCACTCACT[C>T]ACCTCCTCGAACACACTCTTCCGGAAGTCCAGCTCCTCCTGCAGGCTCTGGCAGCGGTTC-3'

ClinVar aggregate classification (germline): Uncertain significance (1 of 4 stars; one submission).

Conditions:
Progressive myoclonic epilepsy type 9. Identifiers: Orphanet 457265, MedGen C4225289, MONDO:0014685, OMIM 616540.
Lipodystrophy, partial, acquired, susceptibility to (APLD). Also called: APLD, SUSCEPTIBILITY TO. Identifiers: MedGen C3887501, MONDO:0100476, OMIM 608709.

Submission:

Labcorp Genetics (formerly Invitae), Labcorp
Classification: Uncertain significance for Progressive myoclonic epilepsy type 9; Lipodystrophy, partial, acquired, susceptibility to. Last evaluated: 2021-08-18. Review status: criteria provided, single submitter. Criteria: Invitae Variant Classification Sherloc (09022015). Collection method: clinical testing. Allele origin: germline.
Comment: This sequence change falls in intron 4 of the LMNB2 gene. It does not directly change the encoded amino acid sequence of the LMNB2 protein. It affects a nucleotide within the consensus splice site of the intron. This variant is not present in population databases (ExAC no frequency). This variant has not been reported in the literature in individuals affected with LMNB2-related conditions. Variants that disrupt the consensus splice site are a relatively common cause of aberrant splicing (PMID: 17576681, 9536098). Algorithms developed to predict the effect of sequence changes on RNA splicing suggest that this variant is not likely to affect RNA splicing. In summary, the available evidence is currently insufficient to determine the role of this variant in disease. Therefore, it has been classified as a Variant of Uncertain Significance.

Literature cited by the submitters: PubMed 17576681; PubMed 9536098.